The following is an entry in ClinVar:

ClinVar aggregate classification (germline): Uncertain significance (1 of 4 stars; one submission).

Allele frequency attached by ClinVar (database versions not stated): gnomAD exomes below 0.00001; gnomAD 0.00003 and 0.00004; TOPMed 0.00003.

Submission:

HudsonAlpha Institute for Biotechnology
Classification: Uncertain significance. Last evaluated: 2021-07-06. Review status: criteria provided, single submitter. Criteria: ACMG Guidelines, 2015. Collection method: research. Allele origin: maternal. Observed: 1 variant allele. Study: HudsonAlpha-AGHI-WGS.
Comment: ACMG codes:PM2

NM_006828.4(ASCC3):c.2763del (p.Leu922fs)

Gene: ASCC3 (activating signal cointegrator 1 complex subunit 3; minus strand). Cytogenetic location: 6q16.3.
Variant type: Deletion.
Coding change: c.2763del on transcript NM_006828.4 (MANE Select); coding-DNA position 2763, one base deleted (T; older notation c.2763delT).
Protein change: p.Leu922fs; shifts the reading frame from leucine 922.
Molecular consequence: frameshift variant.
Genome position (GRCh38, 1-based): chr6:100,655,759, A deleted on the plus strand (T on the coding strand, the reverse complement: ASCC3 is on the minus strand). VCF-style (leftmost placement, unchanged base first): chr6-100655758-GA-G. GRCh37 (hg19) VCF-style: chr6-101103634-GA-G.
Other names: c.2763delT (NM_006828.4); short protein forms L922fs.
Identifiers: ClinVar variation 1251948 (VCV001251948.1), dbSNP rs1462303140, ClinGen allele CA816249922.